The following is an entry in ClinVar:

NM_001111.5(ADAR):c.2513G>C (p.Ser838Thr)

Gene: ADAR (adenosine deaminase RNA specific; minus strand). Cytogenetic location: 1q21.3.
Variant type: single nucleotide variant.
Coding change: c.2513G>C on transcript NM_001111.5 (MANE Select); coding-DNA position 2513, G replaced by C.
Protein change: p.Ser838Thr; replaces serine 838 with threonine.
Molecular consequence: missense variant.
Genome position (GRCh38, 1-based): chr1:154,589,912, C>G on the plus strand (G>C on the coding strand, the complement: ADAR is on the minus strand). VCF-style: chr1-154589912-C-G. GRCh37 (hg19) VCF-style: chr1-154562388-C-G.
Other names: c.1628G>C, p.Ser543Thr (NM_001025107.3, NM_001193495.2, NM_001365046.1 and 2 more transcripts); c.2540G>C, p.Ser847Thr (NM_001365045.1); c.1550G>C, p.Ser517Thr (NM_001365049.1); c.2435G>C, p.Ser812Thr (NM_015840.4); c.2378G>C, p.Ser793Thr (NM_015841.4); short protein forms S847T, S517T, S838T, S543T, S793T, S812T.
Identifiers: ClinVar variation 1381515 (VCV001381515.6), dbSNP rs2101585930, ClinGen allele CA342637083.
Genomic context (GRCh38, chr1:154,589,912, plus strand): 5'-CTGTTAGTCAGAGTGTTGAAGCACCGGTGGCTCAGCATGGCTATCTGGTCATGGAAGGTG[C>G]TGCCAGTGAGAGGGAGCTGTGGGGAAAAGAGGCTGTGTCAGCACCACAAAGCTGAGGCTG-3'
Protein context (NP_001102.3, residues 828-848): AQPKTLPLTG[Ser838Thr]TFHDQIAMLS

ClinVar aggregate classification (germline): Uncertain significance (1 of 4 stars; one submission).

Conditions:
Symmetrical dyschromatosis of extremities (DSH). Also called: RETICULATE ACROPIGMENTATION OF DOHI; SYMMETRIC DYSCHROMATOSIS OF THE EXTREMITIES; Dyschromatosis symmetrica hereditaria; DYSCHROMATOSIS SYMMETRICA HEREDITARIA 1. Identifiers: Orphanet 41, MedGen C0406775, MONDO:0007483, OMIM 127400.
Aicardi-Goutieres syndrome 6 (AGS6). Identifiers: Orphanet 51, MedGen C3539013, MONDO:0014007, OMIM 615010.

Allele frequency attached by ClinVar (database versions not stated): gnomAD exomes below 0.00001.
gnomAD v4.1: 3 of 1,614,078 alleles (0.00019%); highest among the groups gnomAD compares: Admixed American, 0.0033%; no homozygotes.

Submission:

Labcorp Genetics (formerly Invitae), Labcorp
Classification: Uncertain significance for Aicardi-Goutieres syndrome 6; Symmetrical dyschromatosis of extremities. Last evaluated: 2021-09-15. Review status: criteria provided, single submitter. Criteria: Invitae Variant Classification Sherloc (09022015). Collection method: clinical testing. Allele origin: germline.
Comment: This sequence change replaces serine with threonine at codon 838 of the ADAR protein (p.Ser838Thr). The serine residue is highly conserved and there is a small physicochemical difference between serine and threonine. In summary, the available evidence is currently insufficient to determine the role of this variant in disease. Therefore, it has been classified as a Variant of Uncertain Significance. Algorithms developed to predict the effect of missense changes on protein structure and function are either unavailable or do not agree on the potential impact of this missense change (SIFT: "Deleterious"; PolyPhen-2: "Possibly Damaging"; Align-GVGD: "Class C0"). This variant has not been reported in the literature in individuals affected with ADAR-related conditions. This variant is not present in population databases (ExAC no frequency).